The following is an entry in ClinVar:

ClinVar aggregate classification (germline): Uncertain significance (1 of 4 stars; one submission).

Allele frequency attached by ClinVar (database versions not stated): TOPMed below 0.00001.
gnomAD v4.1: 5 of 1,614,152 alleles (0.00031%); highest among the groups gnomAD compares: Admixed American, 0.005%; no homozygotes.

Submission:

Labcorp Genetics (formerly Invitae), Labcorp
Classification: Uncertain significance. Last evaluated: 2025-06-12. Review status: criteria provided, single submitter. Criteria: Invitae Variant Classification Sherloc (09022015). Collection method: clinical testing. Allele origin: germline.
Comment: This sequence change replaces cysteine, which is neutral and slightly polar, with arginine, which is basic and polar, at codon 219 of the TOE1 protein (p.Cys219Arg). This variant is not present in population databases (gnomAD no frequency). This variant has not been reported in the literature in individuals affected with TOE1-related conditions. ClinVar contains an entry for this variant (Variation ID: 1498089). Invitae Evidence Modeling of protein sequence and biophysical properties (such as structural, functional, and spatial information, amino acid conservation, physicochemical variation, residue mobility, and thermodynamic stability) indicates that this missense variant is not expected to disrupt TOE1 protein function with a negative predictive value of 80%. In summary, the available evidence is currently insufficient to determine the role of this variant in disease. Therefore, it has been classified as a Variant of Uncertain Significance.

NM_025077.4(TOE1):c.655T>C (p.Cys219Arg)

Gene: TOE1 (target of EGR1, exonuclease; plus strand). Cytogenetic location: 1p34.1.
Variant type: single nucleotide variant.
Coding change: c.655T>C on transcript NM_025077.4 (MANE Select); coding-DNA position 655, T replaced by C.
Protein change: p.Cys219Arg; replaces cysteine 219 with arginine.
Molecular consequence: missense variant.
Genome position (GRCh38, 1-based): chr1:45,342,546, T>C. VCF-style: chr1-45342546-T-C. GRCh37 (hg19) VCF-style: chr1-45808218-T-C.
Other names: short protein forms C219R.
Identifiers: ClinVar variation 1498089 (VCV001498089.6), dbSNP rs1647056328, ClinGen allele CA340139664.